The following is an entry in ClinVar:

ClinVar aggregate classification (germline): Uncertain significance (1 of 4 stars; one submission).

Conditions:
Gastrointestinal stromal tumor. Also called: Gastrointestinal stromal tumor, somatic; Gastrointestinal stroma tumor. Identifiers: Orphanet 44890, MedGen C0238198, MeSH D046152, MONDO:0011719, OMIM 606764, HP:0100723.
Pheochromocytoma/paraganglioma syndrome 4. Also called: CAROTID BODY TUMORS AND MULTIPLE EXTRAADRENAL PHEOCHROMOCYTOMAS; SDHB-Related Hereditary Paraganglioma-Pheochromocytoma Syndrome; Paragangliomas 4; SDHB-Related Hereditary Paraganglioma-Pheochromocytoma Syndrome (Paragangliomas 4); PARAGANGLIOMA, FAMILIAL MALIGNANT; PARAGANGLIOMAS, HEREDITARY EXTRAADRENAL. Identifiers: Orphanet 29072, MedGen C1861848, MONDO:0007273, OMIM 115310.
Pheochromocytoma. Also called: MAX-Related Hereditary Paraganglioma-Pheochromocytoma Syndrome. Identifiers: Orphanet 29072, MedGen C0031511, MONDO:0008233, OMIM 171300, HP:0002666.

Submission:

Labcorp Genetics (formerly Invitae), Labcorp
Classification: Uncertain significance for Gastrointestinal stromal tumor; Pheochromocytoma/paraganglioma syndrome 4; Pheochromocytoma. Last evaluated: 2019-10-15. Review status: criteria provided, single submitter. Criteria: Invitae Variant Classification Sherloc (09022015). Collection method: clinical testing. Allele origin: germline.
Comment: This sequence change replaces alanine with serine at codon 43 of the SDHB protein (p.Ala43Ser). The alanine residue is moderately conserved and there is a moderate physicochemical difference between alanine and serine. This variant is not present in population databases (ExAC no frequency). This variant has not been reported in the literature in individuals with SDHB-related conditions. Algorithms developed to predict the effect of missense changes on protein structure and function (SIFT, PolyPhen-2, Align-GVGD) all suggest that this variant is likely to be tolerated, but these predictions have not been confirmed by published functional studies and their clinical significance is uncertain. In summary, the available evidence is currently insufficient to determine the role of this variant in disease. Therefore, it has been classified as a Variant of Uncertain Significance.

NM_003000.3(SDHB):c.127G>T (p.Ala43Ser)

Gene: SDHB (succinate dehydrogenase complex iron sulfur subunit B; minus strand). Cytogenetic location: 1p36.13.
Variant type: single nucleotide variant.
Coding change: c.127G>T on transcript NM_003000.3 (MANE Select); coding-DNA position 127, G replaced by T.
Protein change: p.Ala43Ser; replaces alanine 43 with serine.
Molecular consequence: missense variant.
Genome position (GRCh38, 1-based): chr1:17,044,834, C>A on the plus strand (G>T on the coding strand, the complement: SDHB is on the minus strand). VCF-style: chr1-17044834-C-A. GRCh37 (hg19) VCF-style: chr1-17371329-C-A.
Other names: short protein forms A43S.
Identifiers: ClinVar variation 943337 (VCV000943337.7), dbSNP rs2078100395, ClinGen allele CA338228147.
Genomic context (GRCh38, chr1:17,044,834, plus strand): 5'-CTTCATAAGTCTGCATATGAGGTTTGTCTCCAGCCTTGTCTGGGTCCCATCGATAGATGG[C>A]AAATTTCTTGATACGGGGAGCTGTGGCTGCAGCTGTCTGGGCTCCTCGGGAGGCCTGAAA-3'
Protein context (NP_002991.2, residues 33-53): AATAPRIKKF[Ala43Ser]IYRWDPDKAG